The following is an entry in ClinVar:

NM_172364.5(CACNA2D4):c.3309+4C>T

Gene: CACNA2D4 (calcium voltage-gated channel auxiliary subunit alpha2delta 4; minus strand). Cytogenetic location: 12p13.33.
Variant type: single nucleotide variant.
Coding change: c.3309+4C>T on transcript NM_172364.5 (MANE Select); 4 bases into the intron after coding-DNA position 3309, C replaced by T.
Molecular consequence: intron variant.
Genome position (GRCh38, 1-based): chr12:1,795,295, G>A on the plus strand (C>T on the coding strand, the complement: CACNA2D4 is on the minus strand). VCF-style: chr12-1795295-G-A. GRCh37 (hg19) VCF-style: chr12-1904461-G-A.
Identifiers: ClinVar variation 1370276 (VCV001370276.6), dbSNP rs1212816358, ClinGen allele CA383347962.

ClinVar aggregate classification (germline): Uncertain significance (1 of 4 stars; one submission).

Allele frequency attached by ClinVar (database versions not stated): gnomAD exomes below 0.00001.
gnomAD v4.1: 4 of 1,612,804 alleles (0.00025%); highest among the groups gnomAD compares: East Asian, 0.0022%; no homozygotes.

Submission:

Labcorp Genetics (formerly Invitae), Labcorp
Classification: Uncertain significance. Last evaluated: 2024-12-04. Review status: criteria provided, single submitter. Criteria: Invitae Variant Classification Sherloc (09022015). Collection method: clinical testing. Allele origin: germline.
Comment: This sequence change falls in intron 37 of the CACNA2D4 gene. It does not directly change the encoded amino acid sequence of the CACNA2D4 protein. It affects a nucleotide within the consensus splice site. This variant is not present in population databases (gnomAD no frequency). This variant has not been reported in the literature in individuals affected with CACNA2D4-related conditions. ClinVar contains an entry for this variant (Variation ID: 1370276). Variants that disrupt the consensus splice site are a relatively common cause of aberrant splicing (PMID: 17576681, 9536098). Algorithms developed to predict the effect of sequence changes on RNA splicing suggest that this variant is not likely to affect RNA splicing. In summary, the available evidence is currently insufficient to determine the role of this variant in disease. Therefore, it has been classified as a Variant of Uncertain Significance.

Literature cited by the submitters: PubMed 17576681; PubMed 9536098.